The following is an entry in ClinVar:

ClinVar aggregate classification (germline): Uncertain significance. Review status: criteria provided, multiple submitters, no conflicts (2 of 4 stars). 4 submissions from 4 submitters: Uncertain significance (4). Last evaluated 2026-03-20.

Conditions:
Hereditary cancer-predisposing syndrome. Also called: Tumor predisposition; Hereditary neoplastic syndrome; Neoplastic Syndromes, Hereditary; Hereditary Cancer Syndrome. Identifiers: Orphanet 140162, MedGen C0027672, MeSH D009386, MONDO:0015356.
Oligodontia-cancer predisposition syndrome. Also called: TOOTH AGENESIS-COLORECTAL CANCER SYNDROME. Identifiers: Orphanet 300576, MedGen C1837750, MONDO:0012075, OMIM 608615. Disease mechanism: loss of function.

Allele frequency attached by ClinVar (database versions not stated): ExAC 0.00001; TOPMed 0.00002; gnomAD 0.00001; gnomAD exomes 0.00002.
gnomAD v4.1: 24 of 1,613,940 alleles (0.0015%); highest among the groups gnomAD compares: Middle Eastern, 0.016%; no homozygotes.

Submissions (4):

Ambry Genetics
Classification: Uncertain significance for Hereditary cancer-predisposing syndrome. Last evaluated: 2026-03-20. Review status: criteria provided, single submitter. Criteria: Ambry Variant Classification Scheme 2023. Collection method: clinical testing. Allele origin: germline.
Comment: The p.R326H variant (also known as c.977G>A), located in coding exon 3 of the AXIN2 gene, results from a G to A substitution at nucleotide position 977. The arginine at codon 326 is replaced by histidine, an amino acid with highly similar properties. This amino acid position is not well conserved in available vertebrate species. In addition, the in silico prediction for this alteration is inconclusive. Based on the available evidence, the clinical significance of this variant remains unclear.

Labcorp Genetics (formerly Invitae), Labcorp
Classification: Uncertain significance for Oligodontia-cancer predisposition syndrome. Last evaluated: 2025-12-09. Review status: criteria provided, single submitter. Criteria: Invitae Variant Classification Sherloc (09022015). Collection method: clinical testing. Allele origin: germline.
Comment: This sequence change replaces arginine, which is basic and polar, with histidine, which is basic and polar, at codon 326 of the AXIN2 protein (p.Arg326His). This variant is present in population databases (rs750274537, gnomAD 0.004%). This variant has not been reported in the literature in individuals affected with AXIN2-related conditions. ClinVar contains an entry for this variant (Variation ID: 464653). Invitae Evidence Modeling of protein sequence and biophysical properties (such as structural, functional, and spatial information, amino acid conservation, physicochemical variation, residue mobility, and thermodynamic stability) indicates that this missense variant is not expected to disrupt AXIN2 protein function with a negative predictive value of 80%. In summary, the available evidence is currently insufficient to determine the role of this variant in disease. Therefore, it has been classified as a Variant of Uncertain Significance.

Quest Diagnostics Nichols Institute San Juan Capistrano
Classification: Uncertain significance. Last evaluated: 2025-06-13. Review status: criteria provided, single submitter. Criteria: Quest Diagnostics criteria. Collection method: clinical testing. Allele origin: unknown.
Comment: The AXIN2 c.977G>A (p.Arg326His) variant has not been reported in individuals with AXIN2-related conditions in the published literature. The frequency of this variant in the general population (Genome Aggregation Database) is uninformative in the assessment of its pathogenicity. Analysis of this variant using bioinformatics tools for the prediction of the effect of amino acid changes on protein structure and function yielded conflicting predictions that this variant is benign or damaging. Based on the available information, we are unable to determine the clinical significance of this variant.

GeneDx
Classification: Uncertain significance. Last evaluated: 2023-05-26. Review status: criteria provided, single submitter. Criteria: GeneDx Variant Classification Process June 2021. Collection method: clinical testing. Allele origin: germline. Affected: yes.
Comment: Not observed at significant frequency in large population cohorts (gnomAD); In silico analysis supports that this missense variant has a deleterious effect on protein structure/function; Has not been previously published as pathogenic or benign to our knowledge; This variant is associated with the following publications: (PMID: 26689913)

NM_004655.4(AXIN2):c.977G>A (p.Arg326His)

Gene: AXIN2 (axin 2; minus strand). Cytogenetic location: 17q24.1.
Variant type: single nucleotide variant.
Coding change: c.977G>A on transcript NM_004655.4 (MANE Select); coding-DNA position 977, G replaced by A.
Protein change: p.Arg326His; replaces arginine 326 with histidine.
Molecular consequence: missense variant.
Genome position (GRCh38, 1-based): chr17:65,541,537, C>T on the plus strand (G>A on the coding strand, the complement: AXIN2 is on the minus strand). VCF-style: chr17-65541537-C-T. GRCh37 (hg19) VCF-style: chr17-63537655-C-T.
Other names: c.977G>A (LRG_296t1); c.977G>A, p.Arg326His (NM_001363813.1); short protein forms R326H.
Identifiers: ClinVar variation 464653 (VCV000464653.16), dbSNP rs750274537, ClinGen allele CA8718911.